The following is an entry in ClinVar:

NM_001243133.2(NLRP3):c.608T>C (p.Met203Thr)

Gene: NLRP3 (NLR family pyrin domain containing 3; plus strand). Cytogenetic location: 1q44.
Variant type: single nucleotide variant.
Coding change: c.608T>C on transcript NM_001243133.2 (MANE Select); coding-DNA position 608, T replaced by C.
Protein change: p.Met203Thr; replaces methionine 203 with threonine.
Molecular consequence: missense variant.
Genome position (GRCh38, 1-based): chr1:247,424,057, T>C. VCF-style: chr1-247424057-T-C. GRCh37 (hg19) VCF-style: chr1-247587359-T-C.
Other names: c.608T>C, p.Met203Thr (NM_001079821.3, NM_001127461.3, NM_001127462.3 and 1 more transcripts); c.614T>C, p.Met205Thr (NM_004895.5); short protein forms M203T, M205T.
Identifiers: ClinVar variation 1477532 (VCV001477532.8), dbSNP rs2103106207, ClinGen allele CA345555032.

ClinVar aggregate classification (germline): Uncertain significance (1 of 4 stars; one submission).

Conditions:
Cryopyrin associated periodic syndrome (CAPS). Identifiers: Orphanet 208650, MedGen C2316212, MONDO:0016168.

Allele frequency attached by ClinVar (database versions not stated): gnomAD exomes below 0.00001.
gnomAD v4.1: 1 of 1,614,048 alleles (0.000062%); highest among the groups gnomAD compares: Non-Finnish European, 0.000085%; no homozygotes.

Submission:

Labcorp Genetics (formerly Invitae), Labcorp
Classification: Uncertain significance for Cryopyrin associated periodic syndrome. Last evaluated: 2021-05-06. Review status: criteria provided, single submitter. Criteria: Invitae Variant Classification Sherloc (09022015). Collection method: clinical testing. Allele origin: germline.
Comment: This variant is not present in population databases (ExAC no frequency). This sequence change replaces methionine with threonine at codon 205 of the NLRP3 protein (p.Met205Thr). The methionine residue is weakly conserved and there is a moderate physicochemical difference between methionine and threonine. This variant has not been reported in the literature in individuals with NLRP3-related conditions. Algorithms developed to predict the effect of missense changes on protein structure and function (SIFT, PolyPhen-2, Align-GVGD) all suggest that this variant is likely to be tolerated, but these predictions have not been confirmed by published functional studies and their clinical significance is uncertain. In summary, the available evidence is currently insufficient to determine the role of this variant in disease. Therefore, it has been classified as a Variant of Uncertain Significance.